The following is an entry in ClinVar:

ClinVar aggregate classification (germline): Conflicting classifications of pathogenicity. Review status: criteria provided, conflicting classifications (1 of 4 stars). 4 submissions from 4 submitters: Pathogenic (1); Likely pathogenic (2); Uncertain significance (1). Last evaluated 2025-08-24.

Conditions:
Leukoencephalopathy, progressive, infantile-onset, with or without deafness. Identifiers: MedGen C5542996, MONDO:0030893, OMIM 619147.
KARS1-related disorder. Also called: KARS1-related disorders.

Allele frequency attached by ClinVar (database versions not stated): ExAC 0.00002; gnomAD exomes 0.00003; gnomAD 0.00005; TOPMed 0.00005; ESP Exome Variant Server 0.00008.
gnomAD v4.1: 114 of 1,613,856 alleles (0.0071%); highest among the groups gnomAD compares: Non-Finnish European, 0.0089%; no homozygotes.

Submissions (4):

Labcorp Genetics (formerly Invitae), Labcorp
Classification: Likely pathogenic. Last evaluated: 2025-08-24. Review status: criteria provided, single submitter. Criteria: Invitae Variant Classification Sherloc (09022015). Collection method: clinical testing. Allele origin: germline.
Comment: This sequence change replaces alanine, which is neutral and non-polar, with proline, which is neutral and non-polar, at codon 57 of the KARS protein (p.Ala57Pro). This variant is present in population databases (rs369238198, gnomAD 0.006%). This missense change has been observed in individual(s) with KARS-related conditions (PMID: 27243033, 33942428, 37853563). In at least one individual the data is consistent with being in trans (on the opposite chromosome) from a pathogenic variant. It has also been observed to segregate with disease in related individuals. This variant is also known as p.Ala29Pro. ClinVar contains an entry for this variant (Variation ID: 1682455). An algorithm developed to predict the effect of missense changes on protein structure and function (PolyPhen-2) suggests that this variant is likely to be disruptive. Experimental studies are conflicting or provide insufficient evidence to determine the effect of this variant on KARS function (PMID: 33942428). In summary, the currently available evidence indicates that the variant is pathogenic, but additional data are needed to prove that conclusively. Therefore, this variant has been classified as Likely Pathogenic.

Duke University Health System Sequencing Clinic, Duke University Health System
Classification: Likely pathogenic for Leukoencephalopathy, progressive, infantile-onset, with or without deafness. Last evaluated: 2023-04-20. Review status: criteria provided, single submitter. Criteria: ACMG Guidelines, 2015. Collection method: research. Allele origin: maternal. Affected: yes.

PreventionGenetics, part of Exact Sciences
Classification: Uncertain significance for KARS1-related condition. Last evaluated: 2022-10-14. Review status: criteria provided, single submitter. Criteria: ACMG Guidelines, 2015. Collection method: clinical testing. Allele origin: germline.
Comment: The KARS1 c.169G>C variant is predicted to result in the amino acid substitution p.Ala57Pro. This variant was reported in the compound heterozygous state in at least two individuals with either epileptic encephalopathy or microcephaly, nystagmus, and intellectual disability (Joshi et al. 2016. PubMed ID: 27243033, reported as p.Ala29Pro; Cope et al. 2020. PubMed ID: 32730690; Cappuccio et al. 2021. PubMed ID: 33942428; Ardissone et al. 2018. PubMed ID: 29615062). This variant is reported in 0.0070% of alleles in individuals of European (Non-Finnish) descent in gnomAD. Although we suspect KARS1 c.169G>C (p.Ala57Pro) may be pathogenic, the clinical significance of this variant is currently classified as uncertain due to the absence of conclusive functional and genetic evidence.

GeneDx
Classification: Pathogenic. Last evaluated: 2022-07-19. Review status: criteria provided, single submitter. Criteria: GeneDx Variant Classification Process June 2021. Collection method: clinical testing. Allele origin: germline. Affected: yes.
Comment: Published functional studies suggest a damaging effect (Cappuccio et al., 2021); Not observed at significant frequency in large population cohorts (gnomAD); In silico analysis supports that this missense variant has a deleterious effect on protein structure/function; Also known as c.85G>C, p.Ala29Pro; This variant is associated with the following publications: (PMID: 27243033, 29615062, 30252186, 33942428, 32730690)

Literature cited by the submitters: PubMed 27243033 (cited by Labcorp Genetics (formerly Invitae), Labcorp); PubMed 33942428 (cited by Labcorp Genetics (formerly Invitae), Labcorp); PubMed 37853563 (cited by Labcorp Genetics (formerly Invitae), Labcorp); PubMed 32730690 (cited by Duke University Health System Sequencing Clinic, Duke University Health System).

NM_005548.3(KARS1):c.85G>C (p.Ala29Pro)

Gene: KARS1 (lysyl-tRNA synthetase 1; minus strand). Cytogenetic location: 16q23.1.
Variant type: single nucleotide variant.
Coding change: c.85G>C on transcript NM_005548.3 (MANE Select); coding-DNA position 85, G replaced by C.
Protein change: p.Ala29Pro; replaces alanine 29 with proline.
Molecular consequence: missense variant. On other transcripts: 5 prime UTR variant (1).
Genome position (GRCh38, 1-based): chr16:75,641,701, C>G on the plus strand (G>C on the coding strand, the complement: KARS1 is on the minus strand). VCF-style: chr16-75641701-C-G. GRCh37 (hg19) VCF-style: chr16-75675599-C-G.
Other names: c.169G>C, p.Ala57Pro (NM_001130089.2); c.-384G>C (NM_001378148.1); short protein forms A29P, A57P.
Identifiers: ClinVar variation 1682455 (VCV001682455.10), dbSNP rs369238198, ClinGen allele CA8177748.